The following is an entry in ClinVar:

NC_000016.9:g.(?_56544751)_(56545216_?)del

Gene: BBS2 (Bardet-Biedl syndrome 2; minus strand). Cytogenetic location: 16q12.2.
Variant type: Deletion.
Identifiers: ClinVar variation 2426988 (VCV002426988.4).

ClinVar aggregate classification (germline): Pathogenic (1 of 4 stars; one submission).

Conditions:
Bardet-Biedl syndrome (BBS). Identifiers: Orphanet 110, MedGen C0752166, MONDO:0015229.

Submission:

Labcorp Genetics (formerly Invitae), Labcorp
Classification: Pathogenic for Bardet-Biedl syndrome. Last evaluated: 2022-03-11. Review status: criteria provided, single submitter. Criteria: Invitae Variant Classification Sherloc (09022015). Collection method: clinical testing. Allele origin: germline.
Comment: For these reasons, this variant has been classified as Pathogenic. This variant disrupts a region of the BBS2 protein in which other variant(s) (p.Asp174Glu) have been determined to be pathogenic (PMID: 28559085, 30614526). This suggests that this is a clinically significant region of the protein, and that variants that disrupt it are likely to be disease-causing. This variant has not been reported in the literature in individuals affected with BBS2-related conditions. This variant is a gross deletion of the genomic region encompassing exon(s) 3-4 of the BBS2 gene. This variant would be expected to be in-frame, preserving the integrity of the reading frame.

Literature cited by the submitters: PubMed 28559085; PubMed 30614526.